The following is an entry in ClinVar:

ClinVar aggregate classification (germline): Pathogenic (1 of 4 stars; one submission).

Submission:

GeneDx
Classification: Pathogenic. Last evaluated: 2017-11-14. Review status: criteria provided, single submitter. Criteria: GeneDx Variant Classification (06012015). Collection method: clinical testing. Allele origin: germline. Affected: yes.
Comment: This variant is denoted NF1 c.6756+2T>A or IVS44+2T>A and consists of a T>A nucleotide substitution at the +2 position of intron 44 of the NF1 gene. This variant destroys a canonical splice donor site and is predicted to cause abnormal gene splicing, leading to either an abnormal message that is subject to nonsense-mediated mRNA decay or to an abnormal protein product. This variant has been reported in individuals with NF1 (Kluwe 2002, De Luca 2003, Pros 2008). Based on the current evidence, we consider this variant to be pathogenic.

NM_001042492.3(NF1):c.6819+2T>A

Gene: NF1 (neurofibromin 1; plus strand). Cytogenetic location: 17q11.2.
Variant type: single nucleotide variant.
Coding change: c.6819+2T>A on transcript NM_001042492.3 (MANE Select); the canonical splice donor site of the intron after coding-DNA position 6819, T replaced by A.
Molecular consequence: splice donor variant.
Genome position (GRCh38, 1-based): chr17:31,338,141, T>A. VCF-style: chr17-31338141-T-A. GRCh37 (hg19) VCF-style: chr17-29665159-T-A.
Other names: c.6756+2T>A (NM_000267.4).
Identifiers: ClinVar variation 561509 (VCV000561509.1), dbSNP rs1135402894, ClinGen allele CA399014229.
Genomic context (GRCh38, chr17:31,338,141, plus strand): 5'-GTATTAGCAAACGAGTGTCTCATGGGCAGATAAAGCAGATAATCCGTATTCTTAGCAAGG[T>A]ACCTGTTCCGCCCTCACTTCTCCCAAATATTTATGGTTCTCAAGTTGTAAAGCATATCTT-3'